The following is an entry in ClinVar:

ClinVar aggregate classification (germline): Uncertain significance (1 of 4 stars; one submission).

Conditions:
Weaver syndrome (WVS). Also called: Weaver Smith syndrome; Overgrowth syndrome with accelerated skeletal maturation, unusual facies, and camptodactyly. Identifiers: Orphanet 3447, MedGen C0265210, MONDO:0010193, OMIM 277590.

Allele frequency attached by ClinVar (database versions not stated): gnomAD exomes below 0.00001.
gnomAD v4.1: 2 of 1,537,330 alleles (0.00013%); highest among the groups gnomAD compares: Non-Finnish European, 0.00018%; no homozygotes.

Submission:

Labcorp Genetics (formerly Invitae), Labcorp
Classification: Uncertain significance for Weaver syndrome. Last evaluated: 2022-09-01. Review status: criteria provided, single submitter. Criteria: Invitae Variant Classification Sherloc (09022015). Collection method: clinical testing. Allele origin: germline.
Comment: In summary, the available evidence is currently insufficient to determine the role of this variant in disease. Therefore, it has been classified as a Variant of Uncertain Significance. Advanced modeling of protein sequence and biophysical properties (such as structural, functional, and spatial information, amino acid conservation, physicochemical variation, residue mobility, and thermodynamic stability) performed at Invitae indicates that this missense variant is not expected to disrupt EZH2 protein function. This variant has not been reported in the literature in individuals affected with EZH2-related conditions. This variant is not present in population databases (gnomAD no frequency). This sequence change replaces threonine, which is neutral and polar, with alanine, which is neutral and non-polar, at codon 248 of the EZH2 protein (p.Thr248Ala).

NM_004456.5(EZH2):c.742A>G (p.Thr248Ala)

Gene: EZH2 (enhancer of zeste 2 polycomb repressive complex 2 subunit; minus strand). Cytogenetic location: 7q36.1.
Variant type: single nucleotide variant.
Coding change: c.742A>G on transcript NM_004456.5 (MANE Select); coding-DNA position 742, A replaced by G.
Protein change: p.Thr248Ala; replaces threonine 248 with alanine.
Molecular consequence: missense variant.
Genome position (GRCh38, 1-based): chr7:148,826,619, T>C on the plus strand (A>G on the coding strand, the complement: EZH2 is on the minus strand). VCF-style: chr7-148826619-T-C. GRCh37 (hg19) VCF-style: chr7-148523711-T-C.
Other names: c.742A>G, p.Thr248Ala (NM_001203247.2); c.715A>G, p.Thr239Ala (NM_001203248.2, NM_001203249.2); c.625A>G, p.Thr209Ala (NM_152998.3); short protein forms T209A, T248A, T239A.
Identifiers: ClinVar variation 2085417 (VCV002085417.4), dbSNP rs1005840534, ClinGen allele CA168920249.